The following is an entry in ClinVar:

NM_001267550.2(TTN):c.30570C>T (p.Thr10190=)

Gene: TTN (titin; minus strand). Cytogenetic location: 2q31.2.
Variant type: single nucleotide variant.
Coding change: c.30570C>T on transcript NM_001267550.2 (MANE Select); coding-DNA position 30570, C replaced by T.
Protein change: p.Thr10190=; no amino-acid change (threonine 10190 retained).
Molecular consequence: synonymous variant. On other transcripts: intron variant (3).
Genome position (GRCh38, 1-based): chr2:178,701,556, G>A on the plus strand (C>T on the coding strand, the complement: TTN is on the minus strand). VCF-style: chr2-178701556-G-A. GRCh37 (hg19) VCF-style: chr2-179566283-G-A.
Other names: c.29619C>T, p.Thr9873= (NM_001256850.1); c.26838C>T, p.Thr8946= (NM_133378.4); c.13282+36526C>T (NM_003319.4); c.13858+36526C>T (NM_133437.4); c.13657+36526C>T (NM_133432.3).
Identifiers: ClinVar variation 1585746 (VCV001585746.11), dbSNP rs531598218, ClinGen allele CA1999111.

ClinVar aggregate classification (germline): Likely benign. Review status: criteria provided, multiple submitters, no conflicts (2 of 4 stars). 3 submissions from 3 submitters: Likely benign (2). 1 of the submissions does not count toward it. Last evaluated 2026-03-27.

Conditions:
TTN-related disorder. Also called: TTN-related condition; TTN-related disease; TTN-related disorders.
Dilated cardiomyopathy 1G (CMD1G). Identifiers: Orphanet 154, MedGen C1858763, MONDO:0011400, OMIM 604145.
Autosomal recessive limb-girdle muscular dystrophy type 2J (LGMDR10). Also called: Limb-girdle muscular dystrophy, type 2J; MUSCULAR DYSTROPHY, LIMB-GIRDLE, AUTOSOMAL RECESSIVE 10. Identifiers: Orphanet 140922, MedGen C1837342, MONDO:0012127, OMIM 608807.

Allele frequency attached by ClinVar (database versions not stated): gnomAD 0.00002; ExAC 0.00002.
gnomAD v4.1: 16 of 1,613,564 alleles (0.00099%); highest among the groups gnomAD compares: Middle Eastern, 0.049%; no homozygotes.

Submissions (3):

Molecular Diagnostic Laboratory for Inherited Cardiovascular Disease, Montreal Heart Institute
Classification: Likely benign. Last evaluated: 2026-03-27. Review status: criteria provided, single submitter. Criteria: ACMG Guidelines, 2015. Collection method: clinical testing. Allele origin: germline. Affected: no.
Comment: BS1;BP7

Labcorp Genetics (formerly Invitae), Labcorp
Classification: Likely benign for Dilated cardiomyopathy 1G; Autosomal recessive limb-girdle muscular dystrophy type 2J. Last evaluated: 2025-03-26. Review status: criteria provided, single submitter. Criteria: Invitae Variant Classification Sherloc (09022015). Collection method: clinical testing. Allele origin: germline.

PreventionGenetics, part of Exact Sciences
Classification: Likely benign for TTN-related condition. Last evaluated: 2021-10-18. Review status: no assertion criteria provided. Collection method: clinical testing. Allele origin: germline. Not counted in ClinVar's aggregate classification.
Comment: This variant is classified as likely benign based on ACMG/AMP sequence variant interpretation guidelines (Richards et al. 2015 PMID: 25741868, with internal and published modifications).